The following is an entry in ClinVar:

ClinVar aggregate classification (germline): Pathogenic (1 of 4 stars; one submission).

Conditions:
Ataxia-telangiectasia syndrome (AT). Also called: Ataxia-telangiectasia, complementation group D; AT, COMPLEMENTATION GROUP C; Ataxia-telangiectasia, complementation group E; Cerebello-oculocutaneous telangiectasia; Immunodeficiency with ataxia telangiectasia; ATAXIA-TELANGIECTASIA, COMPLEMENTATION GROUP A. Identifiers: Orphanet 100, MedGen C0004135, MONDO:0008840, OMIM 208900.

Submission:

Labcorp Genetics (formerly Invitae), Labcorp
Classification: Pathogenic for Ataxia-telangiectasia syndrome. Last evaluated: 2019-11-25. Review status: criteria provided, single submitter. Criteria: Invitae Variant Classification Sherloc (09022015). Collection method: clinical testing. Allele origin: germline.
Comment: This variant is a gross deletion of the genomic region encompassing exons 17-63 of the ATM gene. The 5' boundary is likely confined to intron 16. The 3' end of this event is unknown as it extends through the termination codon beyond the assayed region for this gene and may encompass additional genes. While this deletion is not anticipated to result in nonsense mediated decay, it is expected to create a truncated protein product or disrupt mRNA translation. Deletion of exons 17-63 has not been reported in the literature in individuals with ATM-related disease. This gross deletion eliminates the last 2,234 amino acid residues of the ATM protein, including the FAT, PI3/4 kinase, and FATC or PIK-related kinase domains, which are crucial for the proper function of the ATM protein (PMID: 23532176, 25460276, 19781682). In addition, several downstream gross deletions encompassing exons 38-63, exons 46-63, exons 57-63 and exons 62-63 of ATM have been reported in individuals with ataxia-telangiectasia, and determined to be pathogenic (PMID: 25614872, 23807571, 9443866, 25614872). This suggests that deletion of this region of the ATM protein is causative of disease. For these reasons, this variant has been classified as Pathogenic.

Literature cited by the submitters: PubMed 23532176; PubMed 9443866; PubMed 25614872; PubMed 23807571; PubMed 19781682; PubMed 25460276.

NC_000011.10:g.(?_108267165)_(108365514_?)del

Genes: ATM (ATM serine/threonine kinase; plus strand), C11orf65 (chromosome 11 open reading frame 65; minus strand), LOC128772356 (melanoma risk locus-associated MPRA allelic enhancer 11:108140516; plus strand), LOC129390354 (MPRA-validated peak1451 silencer; plus strand). Cytogenetic location: 11q22.3.
Variant type: Deletion.
Identifiers: ClinVar variation 583789 (VCV000583789.2).